The following is an entry in ClinVar:

ClinVar aggregate classification (germline): Conflicting classifications of pathogenicity. Review status: criteria provided, conflicting classifications (1 of 4 stars). 8 submissions from 8 submitters: Uncertain significance (1); Benign (6); Likely benign (1). Last evaluated 2026-09-01.

Conditions:
Renal carnitine transport defect (CDSP). Also called: Systemic primary carnitine deficiency disease; Primary carnitine deficiency; CARNITINE DEFICIENCY, SYSTEMIC, DUE TO DEFECT IN RENAL REABSORPTION OF CARNITINE; CARNITINE TRANSPORTER, PLASMA-MEMBRANE, DEFICIENCY OF; CARNITINE UPTAKE DEFECT; Systemic primary carnitine deficiency. Identifiers: Orphanet 158, MedGen C0342788, MONDO:0008919, OMIM 212140.

Allele frequency attached by ClinVar (database versions not stated): ExAC 0.00136; 1000 Genomes Project 0.00359; gnomAD 0.00362 and 0.00338; ESP Exome Variant Server 0.00500; TOPMed 0.00411; gnomAD exomes 0.00101; 1000 Genomes Project 30x 0.00328.
gnomAD v4.1: 1,068 of 1,613,396 alleles (0.066%); highest among the groups gnomAD compares: African/African-American, 1.2%; 8 homozygotes.

Submissions (8):

CeGaT Center for Human Genetics Tuebingen
Classification: Benign. Last evaluated: 2026-09-01. Review status: criteria provided, single submitter. Criteria: CeGaT Center For Human Genetics Tuebingen Variant Classification Criteria Version 2. Collection method: clinical testing. Allele origin: germline. Affected: yes. Observed: 2 variant alleles.
Comment: SLC22A5: BS1, BS2

Labcorp Genetics (formerly Invitae), Labcorp
Classification: Benign for Renal carnitine transport defect. Last evaluated: 2026-02-03. Review status: criteria provided, single submitter. Criteria: Invitae Variant Classification Sherloc (09022015). Collection method: clinical testing. Allele origin: germline.

Blueprint Genetics
Classification: Likely benign. Last evaluated: 2024-11-26. Review status: criteria provided, single submitter. Criteria: ACMG Guidelines, 2015. Collection method: clinical testing. Allele origin: germline.

Mayo Clinic Laboratories, Mayo Clinic
Classification: Benign. Last evaluated: 2023-06-08. Review status: criteria provided, single submitter. Criteria: ACMG Guidelines, 2015. Collection method: clinical testing. Allele origin: germline. Observed: 9 variant alleles.
Comment: BS1, BS2

Giacomini Lab, University of California, San Francisco
Classification: Uncertain significance for Renal carnitine transport defect. Last evaluated: 2022-10-03. Review status: criteria provided, single submitter. Criteria: ACMG Guidelines, 2015. Collection method: research, in vitro. Allele origin: germline, not applicable.

Genome-Nilou Lab
Classification: Benign for Renal carnitine transport defect. Last evaluated: 2021-07-15. Review status: criteria provided, single submitter. Criteria: ACMG Guidelines, 2015. Collection method: clinical testing. Allele origin: germline. Affected: no.

Women's Health and Genetics/Laboratory Corporation of America, LabCorp
Classification: Benign. Last evaluated: 2019-03-11. Review status: criteria provided, single submitter. Criteria: LabCorp Variant Classification Summary - May 2015. Collection method: clinical testing. Allele origin: germline.
Comment: Variant summary: SLC22A5 c.59T>A (p.Leu20His) results in a non-conservative amino acid change in the encoded protein sequence. Four of five in-silico tools predict a damaging effect of the variant on protein function. The variant allele was found at a frequency of 0.0012 in 275576 control chromosomes, predominantly at a frequency of 0.012 within the African subpopulation in the gnomAD database, including 2 homozygotes. The observed variant frequency within African control individuals in the gnomAD database is approximately 3-folds higher than the estimated maximal expected allele frequency for a pathogenic variant in SLC22A5 causing Systemic Primary Carnitine Deficiency phenotype (0.0046), strongly suggesting that the variant is a benign polymorphism found primarily in populations of African origin. c.59T>A has been reported in the literature in a cohort of subjects with a possible carnitine deficiency (Frigeni_2017). A functional study, Frigeni_2017, cites the variant with a transport activity of 46.77%, which the authors classify the variant as benign. A ClinVar submission from a clinical diagnostic laboratory (evaluation after 2014) cites the variant as benign. Based on the evidence outlined above, the variant was classified as benign.

GeneDx
Classification: Benign. Last evaluated: 2019-01-21. Review status: criteria provided, single submitter. Criteria: GeneDx Variant Classification (06012015). Collection method: clinical testing. Allele origin: germline. Affected: yes.
Comment: This variant is considered likely benign or benign based on one or more of the following criteria: it is a conservative change, it occurs at a poorly conserved position in the protein, it is predicted to be benign by multiple in silico algorithms, and/or has population frequency not consistent with disease.

Literature cited by the submitters: PubMed 26828774 (cited by Women's Health and Genetics/Laboratory Corporation of America, LabCorp); PubMed 28841266 (cited by Women's Health and Genetics/Laboratory Corporation of America, LabCorp).

NM_003060.4(SLC22A5):c.59T>A (p.Leu20His)

Gene: SLC22A5 (solute carrier family 22 member 5; plus strand). Cytogenetic location: 5q31.1.
Variant type: single nucleotide variant.
Coding change: c.59T>A on transcript NM_003060.4 (MANE Select); coding-DNA position 59, T replaced by A.
Protein change: p.Leu20His; replaces leucine 20 with histidine.
Molecular consequence: missense variant.
Genome position (GRCh38, 1-based): chr5:132,370,031, T>A. VCF-style: chr5-132370031-T-A. GRCh37 (hg19) VCF-style: chr5-131705723-T-A.
Other names: p.Leu20His; c.59T>A, p.Leu20His (NM_001308122.2).
Identifiers: ClinVar variation 25352 (VCV000025352.45), dbSNP rs144020613, ClinGen allele CA342609.
Genomic context (GRCh38, chr5:132,370,031, plus strand): 5'-GCATGCGGGACTACGACGAGGTGACCGCCTTCCTGGGCGAGTGGGGGCCCTTCCAGCGCC[T>A]CATCTTCTTCCTGCTCAGCGCCAGCATCATCCCCAATGGCTTCACCGGCCTGTCCTCCGT-3'
Protein context (NP_003051.1, residues 10-30): FLGEWGPFQR[Leu20His]IFFLLSASII